The following is an entry in ClinVar:

ClinVar aggregate classification (germline): Uncertain significance (1 of 4 stars; one submission).

Submission:

Labcorp Genetics (formerly Invitae), Labcorp
Classification: Uncertain significance. Last evaluated: 2025-12-20. Review status: criteria provided, single submitter. Criteria: Invitae Variant Classification Sherloc (09022015). Collection method: clinical testing. Allele origin: germline.
Comment: This sequence change replaces cysteine, which is neutral and slightly polar, with tyrosine, which is neutral and polar, at codon 656 of the CFB protein (p.Cys656Tyr). This variant is not present in population databases (gnomAD no frequency). This variant has not been reported in the literature in individuals affected with CFB-related conditions. Invitae Evidence Modeling of protein sequence and biophysical properties (such as structural, functional, and spatial information, amino acid conservation, physicochemical variation, residue mobility, and thermodynamic stability) indicates that this missense variant is expected to disrupt CFB protein function with a positive predictive value of 80%. In summary, the available evidence is currently insufficient to determine the role of this variant in disease. Therefore, it has been classified as a Variant of Uncertain Significance.

NM_001710.6(CFB):c.1967G>A (p.Cys656Tyr)

Gene: CFB (complement factor B; plus strand). Cytogenetic location: 6p21.33.
Variant type: single nucleotide variant.
Coding change: c.1967G>A on transcript NM_001710.6 (MANE Select); coding-DNA position 1967, G replaced by A.
Protein change: p.Cys656Tyr; replaces cysteine 656 with tyrosine.
Molecular consequence: missense variant.
Genome position (GRCh38, 1-based): chr6:31,951,351, G>A. VCF-style: chr6-31951351-G-A. GRCh37 (hg19) VCF-style: chr6-31919128-G-A.
Other names: short protein forms C656Y.
Identifiers: ClinVar variation 4763091 (VCV004763091.1).